The following is an entry in ClinVar:

ClinVar aggregate classification (germline): Uncertain significance. Review status: criteria provided, multiple submitters, no conflicts (2 of 4 stars). 2 submissions from 2 submitters: Uncertain significance (2). Last evaluated 2025-10-29.

Conditions:
Hereditary cancer-predisposing syndrome. Also called: Neoplastic Syndromes, Hereditary; Tumor predisposition; Hereditary Cancer Syndrome; Hereditary neoplastic syndrome. Identifiers: Orphanet 140162, MedGen C0027672, MeSH D009386, MONDO:0015356.

Allele frequency attached by ClinVar (database versions not stated): ExAC 0.00001; ESP Exome Variant Server 0.00008.

Submissions (2):

Color Diagnostics, LLC DBA Color Health
Classification: Uncertain significance for Hereditary cancer-predisposing syndrome. Last evaluated: 2025-10-29. Review status: criteria provided, single submitter. Criteria: ACMG Guidelines, 2015. Collection method: clinical testing. Allele origin: germline.
Comment: This missense variant replaces aspartic acid with asparagine at codon 1346 of the MSH6 protein. Computational prediction suggests that this variant may not impact protein structure and function. To our knowledge, functional studies have not been reported for this variant. This variant has not been reported in individuals affected with MSH6-related disorders in the literature. This variant has not been identified in the general population by the Genome Aggregation Database (gnomAD). The available evidence is insufficient to determine the role of this variant in disease conclusively. Therefore, this variant is classified as a Variant of Uncertain Significance.

Ambry Genetics
Classification: Uncertain significance for Hereditary cancer-predisposing syndrome. Last evaluated: 2020-01-08. Review status: criteria provided, single submitter. Criteria: Ambry Variant Classification Scheme 2023. Collection method: clinical testing. Allele origin: germline.
Comment: The p.D1346N variant (also known as c.4036G>A), located in coding exon 10 of the MSH6 gene, results from a G to A substitution at nucleotide position 4036. The aspartic acid at codon 1346 is replaced by asparagine, an amino acid with highly similar properties. This amino acid position is well conserved in available vertebrate species. In addition, the in silico prediction for this alteration is inconclusive. Since supporting evidence is limited at this time, the clinical significance of this alteration remains unclear.

NM_000179.3(MSH6):c.4036G>A (p.Asp1346Asn)

Gene: MSH6 (mutS homolog 6; plus strand). Cytogenetic location: 2p16.3.
Variant type: single nucleotide variant.
Coding change: c.4036G>A on transcript NM_000179.3 (MANE Select); coding-DNA position 4036, G replaced by A.
Protein change: p.Asp1346Asn; replaces aspartic acid 1346 with asparagine.
Molecular consequence: missense variant.
Genome position (GRCh38, 1-based): chr2:47,806,813, G>A. VCF-style: chr2-47806813-G-A. GRCh37 (hg19) VCF-style: chr2-48033952-G-A.
Other names: c.3646G>A, p.Asp1216Asn (NM_001281492.2); c.3130G>A, p.Asp1044Asn (NM_001281493.2, NM_001281494.2, NM_001406823.1 and 6 more transcripts); c.4132G>A, p.Asp1378Asn (NM_001406795.1); c.4036G>A, p.Asp1346Asn (NM_001406796.1, NM_001406809.1); c.3739G>A, p.Asp1247Asn (NM_001406797.1, NM_001406805.1, NM_001406818.1 and 8 more transcripts); c.3862G>A, p.Asp1288Asn (NM_001406798.1); c.3511G>A, p.Asp1171Asn (NM_001406799.1, NM_001406806.1, NM_001406807.1); c.*57G>A (NM_001406800.1); and 9 more; short protein forms D1290N, D1320N, D1044N, D1216N, D1346N, D1348N, D1378N, D295N.
Identifiers: ClinVar variation 1737240 (VCV001737240.3), dbSNP rs374649126, ClinGen allele CA072825.